The following is an entry in ClinVar:

Conditions:
Breast-ovarian cancer, familial, susceptibility to, 1 (BROVCA1). Also called: BRCA1 Hereditary Breast and Ovarian Cancer; OVARIAN CANCER, SUSCEPTIBILITY TO. Identifiers: Orphanet 145, MedGen C2676676, MONDO:0011450, OMIM 604370. Disease mechanism: loss of function.

Submission:

Brotman Baty Institute, University of Washington
No classification provided (evidence only). Condition: Breast-ovarian cancer, familial 1. Review status: no classification provided. Collection method: in vitro. Allele origin: not applicable. Functional consequence: functionally_normal.
ClinVar note: "not provided" was previously submitted as the classification for the variant. However, the classification appeared to be based only on an observation of functional data so it was converted to no classification on 2025-07-30.

NM_007294.4(BRCA1):c.249T>A (p.Val83=)

Gene: BRCA1 (BRCA1 DNA repair associated; minus strand). Cytogenetic location: 17q21.31.
Variant type: single nucleotide variant.
Coding change: c.249T>A on transcript NM_007294.4 (MANE Select); coding-DNA position 249, T replaced by A.
Protein change: p.Val83=; no amino-acid change (valine 83 retained).
Molecular consequence: synonymous variant. On other transcripts: 5 prime UTR variant (7), intron variant (2).
Genome position (GRCh38, 1-based): chr17:43,104,920, A>T on the plus strand (T>A on the coding strand, the complement: BRCA1 is on the minus strand). VCF-style: chr17-43104920-A-T. GRCh37 (hg19) VCF-style: chr17-41256937-A-T.
Other names: c.39T>A, p.Val13= (NM_001407571.1, NM_001407853.1, NM_001407879.1 and 58 more transcripts); c.249T>A, p.Val83= (NM_001407581.1, NM_001407582.1, NM_001407583.1 and 168 more transcripts); c.171T>A, p.Val57= (NM_001407653.1, NM_001407654.1, NM_001407655.1 and 21 more transcripts); c.108T>A, p.Val36= (NM_001407692.1, NM_001407694.1, NM_001407695.1 and 99 more transcripts); c.-133T>A (NM_001407959.1, NM_001407960.1, NM_001407962.1 and 4 more transcripts); c.117T>A, p.Val39= (NM_001408451.1); c.-218-10060T>A (NM_001407967.1, NM_001407966.1).
Identifiers: ClinVar variation 865325 (VCV000865325.3), dbSNP rs780485347, ClinGen allele CA500127597.